The following is an entry in ClinVar:

ClinVar aggregate classification (germline): Likely benign (1 of 4 stars; one submission).

Allele frequency attached by ClinVar (database versions not stated): TOPMed 0.00003; gnomAD 0.00004.

Submission:

GeneDx
Classification: Likely benign. Last evaluated: 2016-08-01. Review status: criteria provided, single submitter. Criteria: GeneDx Variant Classification (06012015). Collection method: clinical testing. Allele origin: germline. Affected: yes.
Comment: This variant is considered likely benign or benign based on one or more of the following criteria: it is a conservative change, it occurs at a poorly conserved position in the protein, it is predicted to be benign by multiple in silico algorithms, and/or has population frequency not consistent with disease.

NM_001164277.2(SLC37A4):c.-700+10G>T

Gene: SLC37A4 (solute carrier family 37 member 4; minus strand). Cytogenetic location: 11q23.3.
Variant type: single nucleotide variant.
Coding change: c.-700+10G>T on transcript NM_001164277.2 (MANE Select); 10 bases into the intron after 700 bases upstream of the start codon, G replaced by T.
Molecular consequence: intron variant.
Genome position (GRCh38, 1-based): chr11:119,030,839, C>A on the plus strand (G>T on the coding strand, the complement: SLC37A4 is on the minus strand). VCF-style: chr11-119030839-C-A. GRCh37 (hg19) VCF-style: chr11-118901549-C-A.
Other names: c.-345+10G>T (NM_001164279.2); c.-196+10G>T (NM_001467.6); c.-384+10G>T (NM_001164278.2).
Identifiers: ClinVar variation 387744 (VCV000387744.1), dbSNP rs1057522895, ClinGen allele CA16606166.
Genomic context (GRCh38, chr11:119,030,839, plus strand): 5'-AACAATGGCTCCCCAAGACCTGAGATCCCCGCCCTCAGGTGACTCCCCTCCCCCGCATAC[C>A]GCCTCCTACCTGAACAGAGGCGGGAGCCCGAATAGGACGGGGCGGGGCTAGCGAAGGCTG-3'